The following is an entry in ClinVar:

ClinVar aggregate classification (germline): Likely benign. Review status: criteria provided, multiple submitters, no conflicts (2 of 4 stars). 3 submissions from 3 submitters: Likely benign (2). 1 of the submissions does not count toward it. Last evaluated 2023-11-20.

Conditions:
Primary hyperoxaluria, type I (HP1). Also called: OXALOSIS I; GLYCOLIC ACIDURIA; HEPATIC AGT DEFICIENCY; Primary hyperoxaluria type 1. Identifiers: Orphanet 416, Orphanet 93598, MedGen C0268164, MONDO:0009823, OMIM 259900. Disease mechanism: loss of function.
AGXT-related disorder. Also called: AGXT-related condition.

Allele frequency attached by ClinVar (database versions not stated): gnomAD exomes below 0.00001 and 0.00001; gnomAD 0.00001; TOPMed 0.00002.
gnomAD v4.1: 10 of 1,613,380 alleles (0.00062%); highest among the groups gnomAD compares: Admixed American, 0.0017%; no homozygotes.

Submissions (3):

Labcorp Genetics (formerly Invitae), Labcorp
Classification: Likely benign. Last evaluated: 2023-11-20. Review status: criteria provided, single submitter. Criteria: Invitae Variant Classification Sherloc (09022015). Collection method: clinical testing. Allele origin: germline.

Fulgent Genetics
Classification: Likely benign for Primary hyperoxaluria, type I. Last evaluated: 2022-01-18. Review status: criteria provided, single submitter. Criteria: ACMG Guidelines, 2015. Collection method: clinical testing. Allele origin: unknown.

PreventionGenetics, part of Exact Sciences
Classification: Likely benign for AGXT-related condition. Last evaluated: 2022-09-12. Review status: no assertion criteria provided. Collection method: clinical testing. Allele origin: germline. Not counted in ClinVar's aggregate classification.
Comment: This variant is classified as likely benign based on ACMG/AMP sequence variant interpretation guidelines (Richards et al. 2015 PMID: 25741868, with internal and published modifications).

NM_000030.3(AGXT):c.596-10C>T

Gene: AGXT (alanine--glyoxylate aminotransferase; plus strand). Cytogenetic location: 2q37.3.
Variant type: single nucleotide variant.
Coding change: c.596-10C>T on transcript NM_000030.3 (MANE Select); 10 bases into the intron before coding-DNA position 596, C replaced by T.
Molecular consequence: intron variant.
Genome position (GRCh38, 1-based): chr2:240,873,968, C>T. VCF-style: chr2-240873968-C-T. GRCh37 (hg19) VCF-style: chr2-241813385-C-T.
Other names: c.596-10C>T (NM_000030.2).
Identifiers: ClinVar variation 1093090 (VCV001093090.12), dbSNP rs890462970, ClinGen allele CA68179239.